The following is an entry in ClinVar:

ClinVar aggregate classification (germline): Uncertain significance. Review status: criteria provided, multiple submitters, no conflicts (2 of 4 stars). 2 submissions from 2 submitters: Uncertain significance (2). Last evaluated 2025-11-05.

Conditions:
Inborn genetic diseases. Identifiers: MedGen C0950123, MeSH D030342.

Allele frequency attached by ClinVar (database versions not stated): gnomAD 0.00001; TOPMed below 0.00001.
gnomAD v4.1: 1 of 1,613,692 alleles (0.000062%); highest among the groups gnomAD compares: African/African-American, 0.0013%; no homozygotes.

Submissions (2):

Ambry Genetics
Classification: Uncertain significance for Inborn genetic diseases. Last evaluated: 2025-11-05. Review status: criteria provided, single submitter. Criteria: Ambry Variant Classification Scheme 2023. Collection method: clinical testing. Allele origin: germline.

Labcorp Genetics (formerly Invitae), Labcorp
Classification: Uncertain significance. Last evaluated: 2021-11-09. Review status: criteria provided, single submitter. Criteria: Invitae Variant Classification Sherloc (09022015). Collection method: clinical testing. Allele origin: germline.
Comment: This sequence change replaces aspartic acid, which is acidic and polar, with tyrosine, which is neutral and polar, at codon 249 of the CNGA1 protein (p.Asp249Tyr). This variant is not present in population databases (gnomAD no frequency). This missense change has been observed in individual(s) with retinitis pigmentosa (Invitae). Algorithms developed to predict the effect of missense changes on protein structure and function are either unavailable or do not agree on the potential impact of this missense change (SIFT: "Deleterious"; PolyPhen-2: "Possibly Damaging"; Align-GVGD: "Class C15"). In summary, the available evidence is currently insufficient to determine the role of this variant in disease. Therefore, it has been classified as a Variant of Uncertain Significance.

NM_001379270.1(CNGA1):c.733G>T (p.Asp245Tyr)

Genes: CNGA1 (cyclic nucleotide gated channel subunit alpha 1; minus strand), LOC101927157 (uncharacterized LOC101927157; plus strand). Cytogenetic location: 4p12.
Variant type: single nucleotide variant.
Coding change: c.733G>T on transcript NM_001379270.1 (MANE Select); coding-DNA position 733, G replaced by T.
Protein change: p.Asp245Tyr; replaces aspartic acid 245 with tyrosine.
Molecular consequence: missense variant.
Genome position (GRCh38, 1-based): chr4:47,937,749, C>A on the plus strand (G>T on the coding strand, the complement: CNGA1 is on the minus strand). VCF-style: chr4-47937749-C-A. GRCh37 (hg19) VCF-style: chr4-47939766-C-A.
Other names: c.733G>T, p.Asp245Tyr (NM_000087.5, NM_001142564.2); c.745G>T (NM_000087.3); short protein forms D245Y.
Identifiers: ClinVar variation 1515292 (VCV001515292.7), dbSNP rs1738768036, ClinGen allele CA356828326.